The following is an entry in ClinVar:

ClinVar aggregate classification (germline): Pathogenic. Review status: criteria provided, multiple submitters, no conflicts (2 of 4 stars). 2 submissions from 2 submitters: Pathogenic (2). Last evaluated 2018-05-14.

Conditions:
Inborn genetic diseases. Identifiers: MedGen C0950123, MeSH D030342.
Developmental and epileptic encephalopathy, 31A. Also called: Epileptic encephalopathy, early infantile, 31; Developmental and epileptic encephalopathy, 31. Identifiers: Orphanet 2382, MedGen C4225357, MONDO:0014598, OMIM 616346.

Submissions (2):

Labcorp Genetics (formerly Invitae), Labcorp
Classification: Pathogenic for Developmental and epileptic encephalopathy, 31A. Last evaluated: 2018-05-14. Review status: criteria provided, single submitter. Criteria: Invitae Variant Classification Sherloc (09022015). Collection method: clinical testing. Allele origin: germline.
Comment: A variant that disrupts the p.Gly359 amino acid residue in DNM1 has been observed in an affected individual (PMID: 25262651). This suggests that it is a clinically significant residue, and that other variants that disrupt this residue are likely to be causative of disease. For these reasons, this variant has been classified as Pathogenic. Algorithms developed to predict the effect of missense changes on protein structure and function (SIFT, PolyPhen-2, Align-GVGD) all suggest that this variant is likely to be disruptive, but these predictions have not been confirmed by published functional studies and their clinical significance is uncertain. This variant has been observed to be de novo in individuals affected with early infantile epileptic encephalopathy (PMID: 28667181, Invitae). ClinVar contains an entry for this variant (Variation ID: 520737). This variant is not present in population databases (ExAC no frequency). This sequence change replaces glycine with arginine at codon 359 of the DNM1 protein (p.Gly359Arg). The glycine residue is highly conserved and there is a moderate physicochemical difference between glycine and arginine.

Ambry Genetics
Classification: Pathogenic for Inborn genetic diseases. Last evaluated: 2015-10-12. Review status: criteria provided, single submitter. Criteria: Ambry exome assertion method (8-5-2015). Collection method: clinical testing. Allele origin: germline. Affected: yes. Observed: 1 variant allele.

Literature cited by the submitters: PubMed 25262651 (cited by Labcorp Genetics (formerly Invitae), Labcorp); PubMed 28667181 (cited by Labcorp Genetics (formerly Invitae), Labcorp); PubMed 23781021 (cited by Ambry Genetics).

NM_004408.4(DNM1):c.1075G>A (p.Gly359Arg)

Gene: DNM1 (dynamin 1; plus strand). Cytogenetic location: 9q34.11.
Variant type: single nucleotide variant.
Coding change: c.1075G>A on transcript NM_004408.4 (MANE Select); coding-DNA position 1075, G replaced by A.
Protein change: p.Gly359Arg; replaces glycine 359 with arginine.
Molecular consequence: missense variant.
Genome position (GRCh38, 1-based): chr9:128,222,543, G>A. VCF-style: chr9-128222543-G-A. GRCh37 (hg19) VCF-style: chr9-130984822-G-A.
Other names: c.1075G>A, p.Gly359Arg (NM_001005336.3, NM_001288737.2, NM_001288738.2 and 1 more transcripts); short protein forms G359R.
Identifiers: ClinVar variation 520737 (VCV000520737.12), dbSNP rs1554774587, ClinGen allele CA375016258.